The following is an entry in ClinVar:

NM_139058.3(ARX):c.1670C>G (p.Thr557Arg)

Gene: ARX (aristaless related homeobox; minus strand). Cytogenetic location: Xp21.3.
Variant type: single nucleotide variant.
Coding change: c.1670C>G on transcript NM_139058.3 (MANE Select); coding-DNA position 1670, C replaced by G.
Protein change: p.Thr557Arg; replaces threonine 557 with arginine.
Molecular consequence: missense variant.
Genome position (GRCh38, 1-based): chrX:25,004,689, G>C on the plus strand (C>G on the coding strand, the complement: ARX is on the minus strand). VCF-style: chrX-25004689-G-C. GRCh37 (hg19) VCF-style: chrX-25022806-G-C.
Other names: short protein forms T557R.
Identifiers: ClinVar variation 2947809 (VCV002947809.3), dbSNP rs1386535007, ClinGen allele CA412610524.

ClinVar aggregate classification (germline): Uncertain significance (1 of 4 stars; one submission).

Conditions:
Developmental and epileptic encephalopathy, 1 (DEE1). Also called: INFANTILE SPASM SYNDROME, X-LINKED 1; X-linked infantile spasms; West's syndrome; Tonic spasms with clustering, arrest of psychomotor development and hypsarrhythmia on EEG; X-Linked Infantile Spasm Syndrome; OHTAHARA SYNDROME, X-LINKED. Identifiers: MedGen C3463992, MONDO:0010632, OMIM 308350. Disease mechanism: loss of function.
Intellectual disability, X-linked, with or without seizures, ARX-related. Also called: MENTAL RETARDATION, X-LINKED 29; MENTAL RETARDATION, X-LINKED 32; MENTAL RETARDATION, X-LINKED 33; MENTAL RETARDATION, X-LINKED 38; MENTAL RETARDATION, X-LINKED 43; MENTAL RETARDATION, X-LINKED 76. Identifiers: Orphanet 777, MedGen C0796244, MONDO:0010317, OMIM 300419.

Allele frequency attached by ClinVar (database versions not stated): gnomAD exomes below 0.00001; gnomAD 0.00001.
gnomAD v4.1: 3 of 1,164,286 alleles (0.00026%); highest among the groups gnomAD compares: South Asian, 0.0057%; no homozygotes.

Submission:

Labcorp Genetics (formerly Invitae), Labcorp
Classification: Uncertain significance for Developmental and epileptic encephalopathy, 1; Intellectual disability, X-linked, with or without seizures, ARX-related. Last evaluated: 2023-05-16. Review status: criteria provided, single submitter. Criteria: Invitae Variant Classification Sherloc (09022015). Collection method: clinical testing. Allele origin: germline.
Comment: In summary, the available evidence is currently insufficient to determine the role of this variant in disease. Therefore, it has been classified as a Variant of Uncertain Significance. Advanced modeling of protein sequence and biophysical properties (such as structural, functional, and spatial information, amino acid conservation, physicochemical variation, residue mobility, and thermodynamic stability) performed at Invitae indicates that this missense variant is expected to disrupt ARX protein function. This variant has not been reported in the literature in individuals affected with ARX-related conditions. This variant is not present in population databases (gnomAD no frequency). This sequence change replaces threonine, which is neutral and polar, with arginine, which is basic and polar, at codon 557 of the ARX protein (p.Thr557Arg).